The following is an entry in ClinVar:

ClinVar aggregate classification (germline): Conflicting classifications of pathogenicity. Review status: criteria provided, conflicting classifications (1 of 4 stars). 4 submissions from 4 submitters: Uncertain significance (1); Benign (1); Likely benign (1). 1 of the submissions does not count toward it. Last evaluated 2026-01-08.

Conditions:
Hereditary cancer-predisposing syndrome. Also called: Hereditary Cancer Syndrome; Hereditary neoplastic syndrome; Neoplastic Syndromes, Hereditary; Tumor predisposition. Identifiers: Orphanet 140162, MedGen C0027672, MeSH D009386, MONDO:0015356.
Bloom syndrome (BLM). Also called: Bloom-Torre-Machacek syndrome. Identifiers: Orphanet 125, MedGen C0005859, MONDO:0008876, OMIM 210900.

Allele frequency attached by ClinVar (database versions not stated): gnomAD below 0.00001 and 0.00004; TOPMed 0.00001; gnomAD exomes 0.00007 and 0.00013; ExAC 0.00017; 1000 Genomes Project 0.00060; 1000 Genomes Project 30x 0.00062.
gnomAD v4.1: 102 of 1,613,494 alleles (0.0063%); highest among the groups gnomAD compares: South Asian, 0.11%; no homozygotes.

Submissions (4):

Labcorp Genetics (formerly Invitae), Labcorp
Classification: Benign for Bloom syndrome. Last evaluated: 2026-01-08. Review status: criteria provided, single submitter. Criteria: Invitae Variant Classification Sherloc (09022015). Collection method: clinical testing. Allele origin: germline.

Quest Diagnostics Nichols Institute San Juan Capistrano
Classification: Uncertain significance. Last evaluated: 2023-05-26. Review status: criteria provided, single submitter. Criteria: Quest Diagnostics criteria. Collection method: clinical testing. Allele origin: unknown.
Comment: To the best of our knowledge, this variant has not been reported in the published literature. The frequency of this variant in the general population, 0.001 (32/30612 chromosomes in South Asian subpopulation (Genome Aggregation Database)), is higher than would generally be expected for pathogenic variants in this gene. Analysis of this variant using bioinformatics tools for the prediction of the effect of amino acid changes on protein structure and function yielded predictions that this variant is benign. Based on the available information, we are unable to determine the clinical significance of this variant.

Ambry Genetics
Classification: Likely benign for Hereditary cancer-predisposing syndrome. Last evaluated: 2019-09-16. Review status: criteria provided, single submitter. Criteria: Ambry Variant Classification Scheme 2023. Collection method: clinical testing. Allele origin: germline.

Natera, Inc.
Classification: Uncertain significance for Bloom syndrome. Last evaluated: 2019-01-14. Review status: no assertion criteria provided. Collection method: clinical testing. Allele origin: germline. Not counted in ClinVar's aggregate classification.

NM_000057.4(BLM):c.3013A>G (p.Ile1005Val)

Gene: BLM (BLM RecQ like helicase; plus strand). Cytogenetic location: 15q26.1.
Variant type: single nucleotide variant.
Coding change: c.3013A>G on transcript NM_000057.4 (MANE Select); coding-DNA position 3013, A replaced by G.
Protein change: p.Ile1005Val; replaces isoleucine 1005 with valine.
Molecular consequence: missense variant.
Genome position (GRCh38, 1-based): chr15:90,790,838, A>G. VCF-style: chr15-90790838-A-G. GRCh37 (hg19) VCF-style: chr15-91334068-A-G.
Other names: c.3013A>G, p.Ile1005Val (NM_001287246.2, NM_001287247.2); c.1888A>G, p.Ile630Val (NM_001287248.2); short protein forms I1005V, I630V.
Identifiers: ClinVar variation 405324 (VCV000405324.13), dbSNP rs201829983, ClinGen allele CA7738907.